The following is an entry in ClinVar:

NM_005559.4(LAMA1):c.653T>C (p.Phe218Ser)

Gene: LAMA1 (laminin subunit alpha 1; minus strand). Cytogenetic location: 18p11.31.
Variant type: single nucleotide variant.
Coding change: c.653T>C on transcript NM_005559.4 (MANE Select); coding-DNA position 653, T replaced by C.
Protein change: p.Phe218Ser; replaces phenylalanine 218 with serine.
Molecular consequence: missense variant.
Genome position (GRCh38, 1-based): chr18:7,049,193, A>G on the plus strand (T>C on the coding strand, the complement: LAMA1 is on the minus strand). VCF-style: chr18-7049193-A-G. GRCh37 (hg19) VCF-style: chr18-7049192-A-G.
Other names: short protein forms F218S.
Identifiers: ClinVar variation 3338615 (VCV003338615.1).

ClinVar aggregate classification (germline): Uncertain significance (1 of 4 stars; one submission).

gnomAD v4.1: 34 of 1,614,054 alleles (0.0021%); highest among the groups gnomAD compares: Non-Finnish European, 0.0029%; no homozygotes.

Submission:

Greenwood Genetic Center Diagnostic Laboratories, Greenwood Genetic Center
Classification: Uncertain significance. Last evaluated: 2024-05-02. Review status: criteria provided, single submitter. Criteria: ACMG Guidelines, 2015. Collection method: clinical testing. Allele origin: germline. Affected: yes.
Comment: PM2